The following is an entry in ClinVar:

NM_002109.6(HARS1):c.1458+3G>A

Gene: HARS1 (histidyl-tRNA synthetase 1; minus strand). Cytogenetic location: 5q31.3.
Variant type: single nucleotide variant.
Coding change: c.1458+3G>A on transcript NM_002109.6 (MANE Select); 3 bases into the intron after coding-DNA position 1458, G replaced by A.
Molecular consequence: intron variant.
Genome position (GRCh38, 1-based): chr5:140,674,676, C>T on the plus strand (G>A on the coding strand, the complement: HARS1 is on the minus strand). VCF-style: chr5-140674676-C-T. GRCh37 (hg19) VCF-style: chr5-140054261-C-T.
Other names: c.1371+3G>A (NM_001289094.2); c.1116+3G>A (NM_001289093.2); c.1278+3G>A (NM_001258042.3); c.1338+3G>A (NM_001258040.3); c.1236+3G>A (NM_001289092.2); c.1398+3G>A (NM_001258041.3).
Identifiers: ClinVar variation 3029189 (VCV003029189.2), dbSNP rs2481231209, ClinGen allele CA2740094094.

ClinVar aggregate classification (germline): Likely benign (0 of 4 stars; one submission).

Conditions:
HARS1-related disorder. Also called: HARS1-related condition.

Submission:

PreventionGenetics, part of Exact Sciences
Classification: Likely benign for HARS1-related condition. Last evaluated: 2021-10-05. Review status: no assertion criteria provided. Collection method: clinical testing. Allele origin: germline.
Comment: This variant is classified as likely benign based on ACMG/AMP sequence variant interpretation guidelines (Richards et al. 2015 PMID: 25741868, with internal and published modifications).